The following is an entry in ClinVar:

NM_001148.6(ANK2):c.10523G>A (p.Ser3508Asn)

Gene: ANK2 (ankyrin 2; plus strand). Cytogenetic location: 4q26.
Variant type: single nucleotide variant.
Coding change: c.10523G>A on transcript NM_001148.6 (MANE Select); coding-DNA position 10523, G replaced by A.
Protein change: p.Ser3508Asn; replaces serine 3508 with asparagine.
Molecular consequence: missense variant. On other transcripts: intron variant (68).
Genome position (GRCh38, 1-based): chr4:113,359,141, G>A. VCF-style: chr4-113359141-G-A. GRCh37 (hg19) VCF-style: chr4-114280297-G-A.
Other names: c.10289G>A, p.Ser3430Asn (NM_001386142.1); c.6923G>A, p.Ser2308Asn (NM_001386166.1); c.10664G>A, p.Ser3555Asn (NM_001386174.1); c.10640G>A, p.Ser3547Asn (NM_001386175.1); c.4412-1682G>A (NM_001386186.2, NM_001386148.2); c.4214-1682G>A (NM_001354269.3); c.4292-1682G>A (NM_001386187.2); c.4253-1682G>A (NM_001386147.1); and 35 more; short protein forms S2308N, S3430N, S3508N, S3547N, S3555N.
Identifiers: ClinVar variation 1418035 (VCV001418035.6), dbSNP rs1260089933, ClinGen allele CA357940611.

ClinVar aggregate classification (germline): Uncertain significance (1 of 4 stars; one submission).

Conditions:
Long QT syndrome (LQTS). Identifiers: MedGen C0023976, MeSH D008133, MONDO:0002442. Disease mechanism: loss of function. Inheritance: Various modes of inheritance.

Submission:

Labcorp Genetics (formerly Invitae), Labcorp
Classification: Uncertain significance for Long QT syndrome. Last evaluated: 2025-11-25. Review status: criteria provided, single submitter. Criteria: Invitae Variant Classification Sherloc (09022015). Collection method: clinical testing. Allele origin: germline.
Comment: This sequence change replaces serine, which is neutral and polar, with asparagine, which is neutral and polar, at codon 3508 of the ANK2 protein (p.Ser3508Asn). This variant is not present in population databases (gnomAD no frequency). This variant has not been reported in the literature in individuals affected with ANK2-related conditions. ClinVar contains an entry for this variant (Variation ID: 1418035). An algorithm developed to predict the effect of missense changes on protein structure and function (PolyPhen-2) suggests that this variant is likely to be disruptive. In summary, the available evidence is currently insufficient to determine the role of this variant in disease. Therefore, it has been classified as a Variant of Uncertain Significance.